The following is an entry in ClinVar:

ClinVar aggregate classification (germline): Uncertain significance. Review status: criteria provided, multiple submitters, no conflicts (2 of 4 stars). 2 submissions from 2 submitters: Uncertain significance (2). Last evaluated 2024-08-01.

Conditions:
Inborn genetic diseases. Identifiers: MedGen C0950123, MeSH D030342.

Allele frequency attached by ClinVar (database versions not stated): gnomAD 0.00003; TOPMed 0.00003; ExAC 0.00009; ESP Exome Variant Server 0.00015.
gnomAD v4.1: 185 of 1,613,964 alleles (0.011%); highest among the groups gnomAD compares: Non-Finnish European, 0.014%; no homozygotes.

Submissions (2):

Ambry Genetics
Classification: Uncertain significance for Inborn genetic diseases. Last evaluated: 2024-08-01. Review status: criteria provided, single submitter. Criteria: Ambry Variant Classification Scheme 2023. Collection method: clinical testing. Allele origin: germline.

Labcorp Genetics (formerly Invitae), Labcorp
Classification: Uncertain significance. Last evaluated: 2022-08-22. Review status: criteria provided, single submitter. Criteria: Invitae Variant Classification Sherloc (09022015). Collection method: clinical testing. Allele origin: germline.
Comment: In summary, the available evidence is currently insufficient to determine the role of this variant in disease. Therefore, it has been classified as a Variant of Uncertain Significance. Algorithms developed to predict the effect of sequence changes on RNA splicing suggest that this variant may create or strengthen a splice site. Advanced modeling of protein sequence and biophysical properties (such as structural, functional, and spatial information, amino acid conservation, physicochemical variation, residue mobility, and thermodynamic stability) performed at Invitae indicates that this missense variant is not expected to disrupt CLCN2 protein function. This variant has not been reported in the literature in individuals affected with CLCN2-related conditions. This variant is present in population databases (rs150309424, gnomAD 0.009%). This sequence change replaces arginine, which is basic and polar, with glutamine, which is neutral and polar, at codon 297 of the CLCN2 protein (p.Arg297Gln).

NM_004366.6(CLCN2):c.890G>A (p.Arg297Gln)

Gene: CLCN2 (chloride voltage-gated channel 2; minus strand). Cytogenetic location: 3q27.1.
Variant type: single nucleotide variant.
Coding change: c.890G>A on transcript NM_004366.6 (MANE Select); coding-DNA position 890, G replaced by A.
Protein change: p.Arg297Gln; replaces arginine 297 with glutamine.
Molecular consequence: missense variant.
Genome position (GRCh38, 1-based): chr3:184,357,370, C>T on the plus strand (G>A on the coding strand, the complement: CLCN2 is on the minus strand). VCF-style: chr3-184357370-C-T. GRCh37 (hg19) VCF-style: chr3-184075158-C-T.
Other names: c.890G>A (NM_004366.4); c.890G>A, p.Arg297Gln (NM_001171087.3, NM_001171089.3); c.758G>A, p.Arg253Gln (NM_001171088.3); short protein forms R297Q, R253Q.
Identifiers: ClinVar variation 2053090 (VCV002053090.5), dbSNP rs150309424, ClinGen allele CA2734334.